The following is an entry in ClinVar:

ClinVar aggregate classification (germline): Uncertain significance (1 of 4 stars; one submission).

Conditions:
Inborn genetic diseases. Identifiers: MedGen C0950123, MeSH D030342.

Allele frequency attached by ClinVar (database versions not stated): gnomAD 0.00001; gnomAD exomes 0.00001; TOPMed 0.00001.
gnomAD v4.1: 21 of 1,531,682 alleles (0.0014%); highest among the groups gnomAD compares: Non-Finnish European, 0.0017%; no homozygotes.

Submission:

Ambry Genetics
Classification: Uncertain significance for Inborn genetic diseases. Last evaluated: 2022-06-05. Review status: criteria provided, single submitter. Criteria: Ambry Variant Classification Scheme 2023. Collection method: clinical testing. Allele origin: germline.
Comment: The p.Q277E variant (also known as c.829C>G), located in coding exon 1 of the NEFH gene, results from a C to G substitution at nucleotide position 829. The glutamine at codon 277 is replaced by glutamic acid, an amino acid with highly similar properties. This amino acid position is conserved. In addition, the in silico prediction for this alteration is inconclusive. Since supporting evidence is limited at this time, the clinical significance of this alteration remains unclear.

NM_021076.4(NEFH):c.829C>G (p.Gln277Glu)

Gene: NEFH (neurofilament heavy chain; plus strand). Cytogenetic location: 22q12.2.
Variant type: single nucleotide variant.
Coding change: c.829C>G on transcript NM_021076.4 (MANE Select); coding-DNA position 829, C replaced by G.
Protein change: p.Gln277Glu; replaces glutamine 277 with glutamic acid.
Molecular consequence: missense variant.
Genome position (GRCh38, 1-based): chr22:29,481,091, C>G. VCF-style: chr22-29481091-C-G. GRCh37 (hg19) VCF-style: chr22-29877080-C-G.
Other names: short protein forms Q277E.
Identifiers: ClinVar variation 1762793 (VCV001762793.2), dbSNP rs749804257, ClinGen allele CA323083221.